The following is an entry in ClinVar:

ClinVar aggregate classification (germline): Benign. Review status: criteria provided, single submitter (1 of 4 stars). 2 submissions from 2 submitters: Benign (1). 1 of the submissions does not count toward it. Last evaluated 2018-06-18.

Conditions:
ITSN1-related disorder. Also called: ITSN1-related condition.

Allele frequency attached by ClinVar (database versions not stated): gnomAD exomes 0.00137; ExAC 0.00166; 1000 Genomes Project 0.00339; 1000 Genomes Project 30x 0.00375; gnomAD 0.00493 and 0.00537; ESP Exome Variant Server 0.00538; TOPMed 0.00592.
gnomAD v4.1: 1,431 of 1,518,522 alleles (0.094%); highest among the groups gnomAD compares: African/African-American, 1.7%; 6 homozygotes.

Submissions (2):

Labcorp Genetics (formerly Invitae), Labcorp
Classification: Benign. Last evaluated: 2018-06-18. Review status: criteria provided, single submitter. Criteria: Invitae Variant Classification Sherloc (09022015). Collection method: clinical testing. Allele origin: germline.

PreventionGenetics, part of Exact Sciences
Classification: Benign for ITSN1-related condition. Last evaluated: 2019-02-22. Review status: no assertion criteria provided. Collection method: clinical testing. Allele origin: germline. Not counted in ClinVar's aggregate classification.
Comment: This variant is classified as benign based on ACMG/AMP sequence variant interpretation guidelines (Richards et al. 2015 PMID: 25741868, with internal and published modifications).

NM_003024.3(ITSN1):c.927-10G>A

Gene: ITSN1 (intersectin 1; plus strand). Cytogenetic location: 21q22.11.
Variant type: single nucleotide variant.
Coding change: c.927-10G>A on transcript NM_003024.3 (MANE Select); 10 bases into the intron before coding-DNA position 927, G replaced by A.
Molecular consequence: intron variant.
Genome position (GRCh38, 1-based): chr21:33,767,703, G>A. VCF-style: chr21-33767703-G-A. GRCh37 (hg19) VCF-style: chr21-35140007-G-A.
Other names: c.927-10G>A (NM_001331010.2, NM_001001132.2, NM_001331008.2 and 3 more transcripts); c.816-10G>A (NM_001331012.2).
Identifiers: ClinVar variation 786975 (VCV000786975.5), dbSNP rs115178190, ClinGen allele CA10011463.